The following is an entry in ClinVar:

ClinVar aggregate classification (germline): Likely benign (1 of 4 stars; one submission).

Conditions:
Marfan syndrome (MFS). Also called: MARFAN SYNDROME, TYPE I; Marfan syndrome type 1; Marfan's syndrome; Marfan syndrome, classic; FBN1-Related Marfan Syndrome. Identifiers: Orphanet 284963, Orphanet 558, MedGen C0024796, MONDO:0007947, OMIM 154700.

Submission:

All of Us Research Program, National Institutes of Health
Classification: Likely benign for Marfan syndrome. Last evaluated: 2023-11-02. Review status: criteria provided, single submitter. Criteria: ACMG Guidelines, 2015. Collection method: clinical testing. Allele origin: germline. Inheritance: Autosomal dominant inheritance. Observed: 1 variant allele, 1 heterozygote.
Comment: This study involves interpretation of variants in research participants for the purpose of population health screening. Participant phenotype was not available at the time of variant classification. Additional details can be found in publication PMID: 35346344, PMCID: PMC8962531

NM_000138.5(FBN1):c.3209-15G>A

Gene: FBN1 (fibrillin 1; minus strand). Cytogenetic location: 15q21.1.
Variant type: single nucleotide variant.
Coding change: c.3209-15G>A on transcript NM_000138.5 (MANE Select); 15 bases into the intron before coding-DNA position 3209, G replaced by A.
Molecular consequence: intron variant.
Genome position (GRCh38, 1-based): chr15:48,488,256, C>T on the plus strand (G>A on the coding strand, the complement: FBN1 is on the minus strand). VCF-style: chr15-48488256-C-T. GRCh37 (hg19) VCF-style: chr15-48780453-C-T.
Other names: c.3209-15G>A (NM_001406716.1).
Identifiers: ClinVar variation 3074243 (VCV003074243.1), dbSNP rs2505553005, ClinGen allele CA2825002283.